The following is an entry in ClinVar:

ClinVar aggregate classification (germline): Benign/Likely benign. Review status: criteria provided, multiple submitters, no conflicts (2 of 4 stars). 8 submissions from 8 submitters: Benign (1); Likely benign (4). 3 of the submissions do not count toward it. Last evaluated 2026-02-02.

Conditions:
NPC1-related disorder. Also called: NPC1-related condition.
Niemann-Pick disease, type C1. Also called: NEUROVISCERAL STORAGE DISEASE WITH VERTICAL SUPRANUCLEAR OPHTHALMOPLEGIA; NIEMANN-PICK DISEASE WITH CHOLESTEROL ESTERIFICATION BLOCK; NIEMANN-PICK DISEASE WITHOUT SPHINGOMYELINASE DEFICIENCY; NIEMANN-PICK DISEASE, CHRONIC NEURONOPATHIC FORM; NIEMANN-PICK DISEASE, VARIANT TYPE C1. Identifiers: Orphanet 646, MedGen C3179455, MONDO:0009757, OMIM 257220.

Allele frequency attached by ClinVar (database versions not stated): ExAC 0.00100; 1000 Genomes Project 30x 0.00219; 1000 Genomes Project 0.00220; ESP Exome Variant Server 0.00008; gnomAD 0.00015 and 0.00040; TOPMed 0.00020; gnomAD exomes 0.00033 and 0.00073.
gnomAD v4.1: 562 of 1,613,896 alleles (0.035%); highest among the groups gnomAD compares: South Asian, 0.51%; 8 homozygotes.

Submissions (8):

Labcorp Genetics (formerly Invitae), Labcorp
Classification: Likely benign for Niemann-Pick disease, type C1. Last evaluated: 2026-02-02. Review status: criteria provided, single submitter. Criteria: Invitae Variant Classification Sherloc (09022015). Collection method: clinical testing. Allele origin: germline.

Blueprint Genetics
Classification: Likely benign. Last evaluated: 2024-08-02. Review status: criteria provided, single submitter. Criteria: ACMG Guidelines, 2015. Collection method: clinical testing. Allele origin: germline.

Fulgent Genetics
Classification: Likely benign for Niemann-Pick disease, type C1. Last evaluated: 2021-12-17. Review status: criteria provided, single submitter. Criteria: ACMG Guidelines, 2015. Collection method: clinical testing. Allele origin: unknown.

Illumina Laboratory Services, Illumina
Classification: Likely benign for Niemann-Pick disease type C1. Last evaluated: 2018-01-12. Review status: criteria provided, single submitter. Criteria: ICSL Variant Classification Criteria 13 December 2019. Collection method: clinical testing. Allele origin: germline.
Comment: This variant was observed in the ICSL laboratory as part of a predisposition screen in an ostensibly healthy population. It had not been previously curated by ICSL or reported in the Human Gene Mutation Database (HGMD: prior to June 1st, 2018), and was therefore a candidate for classification through an automated scoring system. Utilizing variant allele frequency, disease prevalence and penetrance estimates, and inheritance mode, an automated score was calculated to assess if this variant is too frequent to cause the disease. Based on the score and internal cut-off values, a variant classified as likely benign is not then subjected to further curation. The score for this variant resulted in a classification of likely benign for this disease.

Eurofins Ntd Llc (ga)
Classification: Benign. Last evaluated: 2016-10-05. Review status: criteria provided, single submitter. Criteria: EGL Classification Definitions 2015. Collection method: clinical testing. Allele origin: germline. Observed: 1 variant allele, 1 heterozygote.

PreventionGenetics, part of Exact Sciences
Classification: Likely benign for NPC1-related condition. Last evaluated: 2021-05-12. Review status: no assertion criteria provided. Collection method: clinical testing. Allele origin: germline. Not counted in ClinVar's aggregate classification.
Comment: This variant is classified as likely benign based on ACMG/AMP sequence variant interpretation guidelines (Richards et al. 2015 PMID: 25741868, with internal and published modifications).

Clinical Genetics DNA and cytogenetics Diagnostics Lab, Erasmus MC, Erasmus Medical Center
Classification: Uncertain significance. Review status: no assertion criteria provided. Collection method: clinical testing. Allele origin: germline. Affected: yes. Study: VKGL Data-share Consensus. Not counted in ClinVar's aggregate classification.

Joint Genome Diagnostic Labs from Nijmegen and Maastricht, Radboudumc and MUMC+
Classification: Uncertain significance. Review status: no assertion criteria provided. Collection method: clinical testing. Allele origin: germline. Affected: yes. Study: VKGL Data-share Consensus. Not counted in ClinVar's aggregate classification.

NM_000271.5(NPC1):c.445G>A (p.Gly149Arg)

Gene: NPC1 (NPC intracellular cholesterol transporter 1; minus strand). Cytogenetic location: 18q11.2.
Variant type: single nucleotide variant.
Coding change: c.445G>A on transcript NM_000271.5 (MANE Select); coding-DNA position 445, G replaced by A.
Protein change: p.Gly149Arg; replaces glycine 149 with arginine.
Molecular consequence: missense variant.
Genome position (GRCh38, 1-based): chr18:23,568,841, C>T on the plus strand (G>A on the coding strand, the complement: NPC1 is on the minus strand). VCF-style: chr18-23568841-C-T. GRCh37 (hg19) VCF-style: chr18-21148805-C-T.
Other names: short protein forms G149R.
Identifiers: ClinVar variation 497771 (VCV000497771.25), dbSNP rs143205855, ClinGen allele CA8913743.